The following is an entry in ClinVar:

ClinVar aggregate classification (germline): Conflicting classifications of pathogenicity. Review status: criteria provided, conflicting classifications (1 of 4 stars). 3 submissions from 3 submitters: Pathogenic (1); Uncertain significance (1); Benign (1). Last evaluated 2025-03-04.

Allele frequency attached by ClinVar (database versions not stated): 1000 Genomes Project 30x 0.00021; 1000 Genomes Project 0.00026; TOPMed 0.00127; ExAC 0.00138; ESP Exome Variant Server 0.00162; gnomAD exomes 0.00172; gnomAD 0.00189.
gnomAD v4.1: 2,801 of 1,611,446 alleles (0.17%); highest among the groups gnomAD compares: Non-Finnish European, 0.2%; 7 homozygotes.

Submissions (5):

Center for Genomic Medicine, Rigshospitalet, Copenhagen University Hospital
Classification: Pathogenic. Last evaluated: 2025-03-04. Review status: criteria provided, single submitter. Criteria: ACMG Guidelines, 2015. Collection method: clinical testing. Allele origin: germline.

CeGaT Center for Human Genetics Tuebingen
Classification: Benign. Last evaluated: 2024-01-01. Review status: criteria provided, single submitter. Criteria: CeGaT Center For Human Genetics Tuebingen Variant Classification Criteria Version 2. Collection method: clinical testing. Allele origin: germline. Affected: yes. Observed: 1 variant allele.
Comment: ASMT: BS1, BS2

Revvity Omics, Revvity
Classification: Uncertain significance. Last evaluated: 2022-04-19. Review status: criteria provided, single submitter. Criteria: ACMG Guidelines, 2015. Collection method: clinical testing. Allele origin: germline.

Dr. Peter K. Rogan Lab, Western University
No classification provided (evidence only). Condition: Familial cancer of breast. Review status: no classification provided. Collection method: in vitro. Allele origin: not applicable. Functional consequence: retained intron. Not counted in ClinVar's aggregate classification.

Dr. Peter K. Rogan Lab, Western University
No classification provided (evidence only). Condition: Colon adenocarcinoma. Review status: no classification provided. Collection method: in vitro. Allele origin: not applicable. Functional consequence: retained intron. Not counted in ClinVar's aggregate classification.

Literature cited by the submitters: PubMed 26719789 (cited by Center for Genomic Medicine, Rigshospitalet, Copenhagen University Hospital); PubMed 17505466 (cited by Center for Genomic Medicine, Rigshospitalet, Copenhagen University Hospital); PubMed 21615493 (cited by Center for Genomic Medicine, Rigshospitalet, Copenhagen University Hospital); PubMed 22694957 (cited by Center for Genomic Medicine, Rigshospitalet, Copenhagen University Hospital).

NM_001171038.2(ASMT):c.562+2T>C

Gene: ASMT (acetylserotonin O-methyltransferase; plus strand). Cytogenetic location: Xp22.33.
Variant type: single nucleotide variant.
Coding change: c.562+2T>C on transcript NM_001171038.2 (MANE Select); the canonical splice donor site of the intron after coding-DNA position 562, T replaced by C.
Molecular consequence: splice donor variant.
Genome position (GRCh38, 1-based): chrX:1,629,941, T>C. VCF-style: chrX-1629941-T-C. GRCh37 (hg19) VCF-style: chrX-1748834-T-C.
Other names: NM_004043.2:c.562+2T>C; NC_000023.10:g.1748834T>C; c.562+2T>C (NM_001416525.1, NM_001171039.1).
Identifiers: ClinVar variation 2688617 (VCV002688617.25), dbSNP rs148855515, ClinGen allele CA10334890.